The following is an entry in ClinVar:

ClinVar aggregate classification (germline): Likely benign. Review status: criteria provided, multiple submitters, no conflicts (2 of 4 stars). 2 submissions from 2 submitters: Likely benign (2). Last evaluated 2024-02-23.

Allele frequency attached by ClinVar (database versions not stated): ExAC 0.00001; gnomAD exomes 0.00001 and 0.00004; gnomAD 0.00002; TOPMed 0.00002.
gnomAD v4.1: 69 of 1,614,086 alleles (0.0043%); highest among the groups gnomAD compares: Non-Finnish European, 0.0051%; no homozygotes.

Submissions (2):

Labcorp Genetics (formerly Invitae), Labcorp
Classification: Likely benign. Last evaluated: 2024-02-23. Review status: criteria provided, single submitter. Criteria: Invitae Variant Classification Sherloc (09022015). Collection method: clinical testing. Allele origin: germline.

GeneDx
Classification: Likely benign. Last evaluated: 2016-03-11. Review status: criteria provided, single submitter. Criteria: GeneDx Variant Classification (06012015). Collection method: clinical testing. Allele origin: germline. Affected: yes.
Comment: This variant is considered likely benign or benign based on one or more of the following criteria: it is a conservative change, it occurs at a poorly conserved position in the protein, it is predicted to be benign by multiple in silico algorithms, and/or has population frequency not consistent with disease.

NM_025215.6(PUS1):c.942G>A (p.Leu314=)

Gene: PUS1 (pseudouridine synthase 1; plus strand). Cytogenetic location: 12q24.33.
Variant type: single nucleotide variant.
Coding change: c.942G>A on transcript NM_025215.6 (MANE Select); coding-DNA position 942, G replaced by A.
Protein change: p.Leu314=; no amino-acid change (leucine 314 retained).
Molecular consequence: synonymous variant.
Genome position (GRCh38, 1-based): chr12:131,941,689, G>A. VCF-style: chr12-131941689-G-A. GRCh37 (hg19) VCF-style: chr12-132426234-G-A.
Other names: c.858G>A, p.Leu286= (NM_001002019.3, NM_001002020.3).
Identifiers: ClinVar variation 383634 (VCV000383634.8), dbSNP rs764870494, ClinGen allele CA6884279.